The following is an entry in ClinVar:

NM_130837.3(OPA1):c.70A>G (p.Ile24Val)

Gene: OPA1 (OPA1 mitochondrial dynamin like GTPase; plus strand). Cytogenetic location: 3q29.
Variant type: single nucleotide variant.
Coding change: c.70A>G on transcript NM_130837.3 (MANE Select); coding-DNA position 70, A replaced by G.
Protein change: p.Ile24Val; replaces isoleucine 24 with valine.
Molecular consequence: missense variant. On other transcripts: 5 prime UTR variant (2).
Genome position (GRCh38, 1-based): chr3:193,614,760, A>G. VCF-style: chr3-193614760-A-G. GRCh37 (hg19) VCF-style: chr3-193332549-A-G.
Other names: p.Ile24Val; c.70A>G (NM_130837.2); c.-303A>G (NM_001354663.2, NM_001354664.2); c.70A>G, p.Ile24Val (NM_015560.3, NM_130831.3, NM_130832.3 and 4 more transcripts); short protein forms I24V.
Identifiers: ClinVar variation 214887 (VCV000214887.25), dbSNP rs201520438, ClinGen allele CA321129.

ClinVar aggregate classification (germline): Conflicting classifications of pathogenicity. Review status: criteria provided, conflicting classifications (1 of 4 stars). 12 submissions from 12 submitters: Uncertain significance (5); Benign (1); Likely benign (3). 3 of the submissions do not count toward it. Last evaluated 2026-08-01.

Conditions:
OPA1-related disorder. Also called: OPA1-related condition; OPA1-related disorders.
Autosomal dominant optic atrophy classic form (OPA1). Also called: Optic Atrophy Type 1; KJER-TYPE OPTIC ATROPHY; OPTIC ATROPHY, JUVENILE. Identifiers: Orphanet 98673, MedGen C0338508, MONDO:0008134, OMIM 165500.

Allele frequency attached by ClinVar (database versions not stated): gnomAD 0.00017 and 0.00015; gnomAD exomes 0.00021 and 0.00045; ExAC 0.00026; TOPMed 0.00015.
gnomAD v4.1: 663 of 1,614,028 alleles (0.041%); highest among the groups gnomAD compares: Non-Finnish European, 0.054%; no homozygotes.

Submissions (12):

PreventionGenetics, part of Exact Sciences
Classification: Uncertain significance for OPA1-related condition. Last evaluated: 2026-08-01. Review status: criteria provided, single submitter. Criteria: ACMG Guidelines, 2015. Collection method: clinical testing. Allele origin: germline.
Comment: The OPA1 c.70A>G variant is predicted to result in the amino acid substitution p.Ile24Val. To our knowledge, this variant has not been reported in the literature. This variant is reported in 0.040% of alleles in individuals of European (Non-Finnish) descent in gnomAD. At this time, the clinical significance of this variant is uncertain due to the absence of conclusive functional and genetic evidence.

Labcorp Genetics (formerly Invitae), Labcorp
Classification: Likely benign. Last evaluated: 2026-01-06. Review status: criteria provided, single submitter. Criteria: Invitae Variant Classification Sherloc (09022015). Collection method: clinical testing. Allele origin: germline.

Women's Health and Genetics/Laboratory Corporation of America, LabCorp
Classification: Uncertain significance. Last evaluated: 2024-12-31. Review status: criteria provided, single submitter. Criteria: LabCorp Variant Classification Summary - May 2015. Collection method: clinical testing. Allele origin: germline.
Comment: Variant summary: OPA1 c.70A>G (p.Ile24Val) results in a conservative amino acid change in the encoded protein sequence. Five of five in-silico tools predict a benign effect of the variant on protein function. The variant allele was found at a frequency of 0.00021 in 248952 control chromosomes. This frequency is not significantly higher than estimated for a pathogenic variant in OPA1 causing OPA1-Related Disorders, allowing no conclusion about variant significance. To our knowledge, no occurrence of c.70A>G in individuals affected with OPA1-Related Disorders and no experimental evidence demonstrating its impact on protein function have been reported. ClinVar contains an entry for this variant (Variation ID: 214887). Based on the evidence outlined above, the variant was classified as uncertain significance.

Blueprint Genetics
Classification: Benign. Last evaluated: 2024-09-20. Review status: criteria provided, single submitter. Criteria: ACMG Guidelines, 2015. Collection method: clinical testing. Allele origin: germline.

Mayo Clinic Laboratories, Mayo Clinic
Classification: Uncertain significance. Last evaluated: 2022-04-22. Review status: criteria provided, single submitter. Criteria: ACMG Guidelines, 2015. Collection method: clinical testing. Allele origin: germline. Observed: 1 variant allele.
Comment: BP4

GeneDx
Classification: Likely benign. Last evaluated: 2020-05-15. Review status: criteria provided, single submitter. Criteria: GeneDx Variant Classification Process June 2021. Collection method: clinical testing. Allele origin: germline. Affected: yes.

Illumina Laboratory Services, Illumina
Classification: Likely benign for Autosomal dominant optic atrophy classic form. Last evaluated: 2018-01-13. Review status: criteria provided, single submitter. Criteria: ICSL Variant Classification Criteria 13 December 2019. Collection method: clinical testing. Allele origin: germline.
Comment: This variant was observed in the ICSL laboratory as part of a predisposition screen in an ostensibly healthy population. It had not been previously curated by ICSL or reported in the Human Gene Mutation Database (HGMD: prior to June 1st, 2018), and was therefore a candidate for classification through an automated scoring system. Utilizing variant allele frequency, disease prevalence and penetrance estimates, and inheritance mode, an automated score was calculated to assess if this variant is too frequent to cause the disease. Based on the score and internal cut-off values, a variant classified as likely benign is not then subjected to further curation. The score for this variant resulted in a classification of likely benign for this disease.

Eurofins Ntd Llc (ga)
Classification: Uncertain significance. Last evaluated: 2017-08-21. Review status: criteria provided, single submitter. Criteria: EGL Classification Definitions 2015. Collection method: clinical testing. Allele origin: germline. Observed: 1 variant allele, 1 heterozygote.

CeGaT Center for Human Genetics Tuebingen
Classification: Uncertain significance. Last evaluated: 2016-12-31. Review status: criteria provided, single submitter. Criteria: Praxis fuer Humangenetik Tuebingen - Variant Classification Criteria. Collection method: clinical testing. Allele origin: germline. Affected: yes. Observed: 1 variant allele.

Clinical Genetics DNA and cytogenetics Diagnostics Lab, Erasmus MC, Erasmus Medical Center
Classification: Likely benign. Review status: no assertion criteria provided. Collection method: clinical testing. Allele origin: germline. Affected: yes. Study: VKGL Data-share Consensus. Not counted in ClinVar's aggregate classification.

Clinical Genetics, Academic Medical Center
Classification: Likely benign. Review status: no assertion criteria provided. Collection method: clinical testing. Allele origin: germline. Affected: yes. Study: VKGL Data-share Consensus. Not counted in ClinVar's aggregate classification.

Genome Diagnostics Laboratory, University Medical Center Utrecht
Classification: Likely benign. Review status: no assertion criteria provided. Collection method: clinical testing. Allele origin: germline. Affected: yes. Study: VKGL Data-share Consensus. Not counted in ClinVar's aggregate classification.